The following is an entry in ClinVar:

ClinVar aggregate classification (germline): Pathogenic/Likely pathogenic. Review status: criteria provided, multiple submitters, no conflicts (2 of 4 stars). 4 submissions from 4 submitters: Pathogenic (2); Likely pathogenic (1). 1 of the submissions does not count toward it. Last evaluated 2024-03-05.

Conditions:
Meckel-Gruber syndrome. Also called: DYSENCEPHALIA SPLANCHNOCYSTICA; Dysencephalia splachnocystica; GRUBER SYNDROME. Identifiers: Orphanet 564, MedGen C0265215, MONDO:0018921.
Joubert syndrome. Also called: Familial aplasia of the vermis; JOUBERT-BOLTSHAUSER SYNDROME. Identifiers: Orphanet 475, MedGen C5979921, MONDO:0018772.
RPGRIP1L-related disorder. Also called: RPGRIP1L-related condition; RPGRIP1L-related disorders. Identifiers: MedGen CN239416.

Allele frequency attached by ClinVar (database versions not stated): gnomAD exomes below 0.00001; gnomAD 0.00001.
gnomAD v4.1: 2 of 1,613,536 alleles (0.00012%); highest among the groups gnomAD compares: African/African-American, 0.0027%; no homozygotes.

Submissions (4):

Natera, Inc.
Classification: Likely pathogenic for Joubert syndrome. Last evaluated: 2024-03-05. Review status: criteria provided, single submitter. Criteria: Natera Variant Classification Schema (03/2026). Collection method: clinical testing. Allele origin: germline.
Comment: The c.2299C>T variant in RPGRIP1L is a nonsense variant predicted to introduce a stop codon at amino acid 767. This variant is expected to result in nonsense mediated decay, truncation, or a dysfunctional protein product. This variant is rare in the general population with a frequency below the threshold expected for the associated phenotype(s). Given the available evidence, this variant is classified as Likely Pathogenic.

Labcorp Genetics (formerly Invitae), Labcorp
Classification: Pathogenic for Joubert syndrome; Meckel-Gruber syndrome. Last evaluated: 2023-05-07. Review status: criteria provided, single submitter. Criteria: Invitae Variant Classification Sherloc (09022015). Collection method: clinical testing. Allele origin: germline.
Comment: ClinVar contains an entry for this variant (Variation ID: 489039). For these reasons, this variant has been classified as Pathogenic. This variant has not been reported in the literature in individuals affected with RPGRIP1L-related conditions. The frequency data for this variant in the population databases is considered unreliable, as metrics indicate poor data quality at this position in the gnomAD database. This sequence change creates a premature translational stop signal (p.Gln767*) in the RPGRIP1L gene. It is expected to result in an absent or disrupted protein product. Loss-of-function variants in RPGRIP1L are known to be pathogenic (PMID: 17558409).

GeneDx
Classification: Pathogenic. Last evaluated: 2017-08-07. Review status: criteria provided, single submitter. Criteria: GeneDx Variant Classification (06012015). Collection method: clinical testing. Allele origin: germline. Affected: yes.
Comment: The Q767X variant has not been published as a pathogenic variant, nor has it been reported as a benign variant to our knowledge. It is not observed in large population cohorts (Lek et al., 2016; 1000 Genomes Consortium et al., 2015; Exome Variant Server). The Q767X variant is predicted to cause loss of normal protein function either through protein truncation or nonsense-mediated mRNA decay. This variant is interpreted as pathogenic.

PreventionGenetics, part of Exact Sciences
Classification: Likely pathogenic for RPGRIP1L-related condition. Last evaluated: 2024-08-13. Review status: no assertion criteria provided. Collection method: clinical testing. Allele origin: germline. Not counted in ClinVar's aggregate classification.
Comment: The RPGRIP1L c.2299C>T variant is predicted to result in premature protein termination (p.Gln767*). To our knowledge, this variant has not been reported in the literature. This variant is reported in 0.011% of alleles in individuals of African descent in gnomAD. Nonsense variants in RPGRIP1L are expected to be pathogenic. This variant is interpreted as likely pathogenic.

Literature cited by the submitters: PubMed 17558409 (cited by Labcorp Genetics (formerly Invitae), Labcorp).

NM_015272.5(RPGRIP1L):c.2299C>T (p.Gln767Ter)

Gene: RPGRIP1L (RPGRIP1 like; minus strand). Cytogenetic location: 16q12.2.
Variant type: single nucleotide variant.
Coding change: c.2299C>T on transcript NM_015272.5 (MANE Select); coding-DNA position 2299, C replaced by T.
Protein change: p.Gln767Ter; replaces glutamine 767 with a stop codon.
Molecular consequence: nonsense.
Genome position (GRCh38, 1-based): chr16:53,648,969, G>A on the plus strand (C>T on the coding strand, the complement: RPGRIP1L is on the minus strand). VCF-style: chr16-53648969-G-A. GRCh37 (hg19) VCF-style: chr16-53682881-G-A.
Other names: c.2299C>T (NM_015272.4); c.2299C>T, p.Gln767Ter (NM_001127897.4, NM_001308334.3, NM_001330538.2); short protein forms Q767*.
Identifiers: ClinVar variation 489039 (VCV000489039.7), dbSNP rs1326042797, ClinGen allele CA395915296.
Genomic context (GRCh38, chr16:53,648,969, plus strand): 5'-TAAATATTATAAAATTTCTATGTCATAAAAGGGTCTTAAAGCCAAATGAGCTTACCGACT[G>A]CATATGCTCTGGCCCCTTAAAATTTGATGTTATATACCCCAAAGCCTTTGCCCTTTCTCG-3'